The following is an entry in ClinVar:

ClinVar aggregate classification (germline): Uncertain significance (1 of 4 stars; one submission).

Conditions:
DK1-congenital disorder of glycosylation. Also called: DOLK-congenital disorder of glycosylation; Carbohydrate deficient glycoprotein syndrome type 1m; CONGENITAL DISORDER OF GLYCOSYLATION, TYPE Im; CDG Im; DK1 DEFICIENCY; DOLICHOL KINASE DEFICIENCY. Identifiers: Orphanet 91131, MedGen C1835849, MONDO:0012556, OMIM 610768.

Submission:

Labcorp Genetics (formerly Invitae), Labcorp
Classification: Uncertain significance for DK1-congenital disorder of glycosylation. Last evaluated: 2021-03-23. Review status: criteria provided, single submitter. Criteria: Invitae Variant Classification Sherloc (09022015). Collection method: clinical testing. Allele origin: germline.
Comment: This sequence change replaces methionine with isoleucine at codon 461 of the DOLK protein (p.Met461Ile). The methionine residue is moderately conserved and there is a small physicochemical difference between methionine and isoleucine. This variant is not present in population databases (ExAC no frequency). This variant has not been reported in the literature in individuals with DOLK-related conditions. Algorithms developed to predict the effect of missense changes on protein structure and function output the following: SIFT: "Tolerated"; PolyPhen-2: "Benign"; Align-GVGD: "Class C0". The isoleucine amino acid residue is found in multiple mammalian species, suggesting that this missense change does not adversely affect protein function. These predictions have not been confirmed by published functional studies and their clinical significance is uncertain. In summary, the available evidence is currently insufficient to determine the role of this variant in disease. Therefore, it has been classified as a Variant of Uncertain Significance.

NM_014908.4(DOLK):c.1383G>C (p.Met461Ile)

Gene: DOLK (dolichol kinase; minus strand). Cytogenetic location: 9q34.11.
Variant type: single nucleotide variant.
Coding change: c.1383G>C on transcript NM_014908.4 (MANE Select); coding-DNA position 1383, G replaced by C.
Protein change: p.Met461Ile; replaces methionine 461 with isoleucine.
Molecular consequence: missense variant.
Genome position (GRCh38, 1-based): chr9:128,945,921, C>G on the plus strand (G>C on the coding strand, the complement: DOLK is on the minus strand). VCF-style: chr9-128945921-C-G. GRCh37 (hg19) VCF-style: chr9-131708200-C-G.
Other names: short protein forms M461I.
Identifiers: ClinVar variation 1518557 (VCV001518557.8), dbSNP rs749027694, ClinGen allele CA375117149.